The following is an entry in ClinVar:

NM_004698.4(PRPF3):c.673G>A (p.Gly225Ser)

Gene: PRPF3 (pre-mRNA processing factor 3; plus strand). Cytogenetic location: 1q21.2.
Variant type: single nucleotide variant.
Coding change: c.673G>A on transcript NM_004698.4 (MANE Select); coding-DNA position 673, G replaced by A.
Protein change: p.Gly225Ser; replaces glycine 225 with serine.
Molecular consequence: missense variant. On other transcripts: non-coding transcript variant (4).
Genome position (GRCh38, 1-based): chr1:150,333,144, G>A. VCF-style: chr1-150333144-G-A. GRCh37 (hg19) VCF-style: chr1-150305615-G-A.
Other names: c.268G>A, p.Gly90Ser (NM_001350529.1); short protein forms G225S, G90S.
Identifiers: ClinVar variation 1524947 (VCV001524947.7), dbSNP rs961027754, ClinGen allele CA30047223.

ClinVar aggregate classification (germline): Uncertain significance. Review status: criteria provided, multiple submitters, no conflicts (2 of 4 stars). 2 submissions from 2 submitters: Uncertain significance (2). Last evaluated 2023-05-15.

Allele frequency attached by ClinVar (database versions not stated): gnomAD exomes below 0.00001.
gnomAD v4.1: 2 of 1,614,182 alleles (0.00012%); highest among the groups gnomAD compares: Non-Finnish European, 0.00017%; no homozygotes.

Submissions (2):

Labcorp Genetics (formerly Invitae), Labcorp
Classification: Uncertain significance. Last evaluated: 2023-05-15. Review status: criteria provided, single submitter. Criteria: Invitae Variant Classification Sherloc (09022015). Collection method: clinical testing. Allele origin: germline.
Comment: In summary, the available evidence is currently insufficient to determine the role of this variant in disease. Therefore, it has been classified as a Variant of Uncertain Significance. Advanced modeling of protein sequence and biophysical properties (such as structural, functional, and spatial information, amino acid conservation, physicochemical variation, residue mobility, and thermodynamic stability) performed at Invitae indicates that this missense variant is not expected to disrupt PRPF3 protein function. ClinVar contains an entry for this variant (Variation ID: 1524947). This variant has not been reported in the literature in individuals affected with PRPF3-related conditions. This variant is not present in population databases (gnomAD no frequency). This sequence change replaces glycine, which is neutral and non-polar, with serine, which is neutral and polar, at codon 225 of the PRPF3 protein (p.Gly225Ser).

Blueprint Genetics
Classification: Uncertain significance. Last evaluated: 2017-12-15. Review status: criteria provided, single submitter. Criteria: ACMG Guidelines, 2015. Collection method: clinical testing. Allele origin: germline.